The following is an entry in ClinVar:

NM_012203.2(GRHPR):c.871C>T (p.Leu291=)

Gene: GRHPR (glyoxylate and hydroxypyruvate reductase; plus strand). Cytogenetic location: 9p13.2.
Variant type: single nucleotide variant.
Coding change: c.871C>T on transcript NM_012203.2 (MANE Select); coding-DNA position 871, C replaced by T.
Protein change: p.Leu291=; no amino-acid change (leucine 291 retained).
Molecular consequence: synonymous variant.
Genome position (GRCh38, 1-based): chr9:37,436,666, C>T. VCF-style: chr9-37436666-C-T. GRCh37 (hg19) VCF-style: chr9-37436663-C-T.
Identifiers: ClinVar variation 204228 (VCV000204228.3), dbSNP rs1135283, ClinGen allele CA275878.

ClinVar aggregate classification (germline): Benign (1 of 4 stars; one submission).

Conditions:
Primary hyperoxaluria, type II (HP2). Also called: D-GLYCERATE DEHYDROGENASE DEFICIENCY; GLYCERIC ACIDURIA; GLYOXYLATE REDUCTASE/HYDROXYPYRUVATE REDUCTASE DEFICIENCY; OXALOSIS II; Primary hyperoxaluria type 2. Identifiers: Orphanet 416, Orphanet 93599, MedGen C0268165, MONDO:0009824, OMIM 260000. Disease mechanism: loss of function.

Submission:

Clinical Biochemistry Laboratory, Health Services Laboratory
Classification: Benign for Primary hyperoxaluria, type II. Last evaluated: 2023-10-27. Review status: criteria provided, single submitter. Criteria: ACMG Guidelines, 2015. Collection method: clinical testing. Allele origin: germline. Affected: yes.
Comment: ACMG: PM2 BP2 BP4 BP5 BP7